The following is an entry in ClinVar:

NM_000041.4(APOE):c.370G>A (p.Ala124Thr)

Gene: APOE (apolipoprotein E; plus strand). Cytogenetic location: 19q13.32.
Variant type: single nucleotide variant.
Coding change: c.370G>A on transcript NM_000041.4 (MANE Select); coding-DNA position 370, G replaced by A.
Protein change: p.Ala124Thr; replaces alanine 124 with threonine.
Molecular consequence: missense variant.
Genome position (GRCh38, 1-based): chr19:44,908,666, G>A. VCF-style: chr19-44908666-G-A. GRCh37 (hg19) VCF-style: chr19-45411923-G-A.
Other names: c.448G>A, p.Ala150Thr (NM_001302688.2); c.370G>A, p.Ala124Thr (NM_001302689.2, NM_001302690.2, NM_001302691.2); short protein forms A124T, A150T.
Identifiers: ClinVar variation 2565616 (VCV002565616.2), dbSNP rs2513541253, ClinGen allele CA406303887.

ClinVar aggregate classification (germline): Uncertain significance (1 of 4 stars; one submission).

Conditions:
Cardiovascular phenotype. Identifiers: MedGen CN230736.

Allele frequency attached by ClinVar (database versions not stated): gnomAD exomes below 0.00001.
gnomAD v4.1: 3 of 1,582,002 alleles (0.00019%); highest among the groups gnomAD compares: Non-Finnish European, 0.00017%; no homozygotes.

Submission:

Ambry Genetics
Classification: Uncertain significance for Cardiovascular phenotype. Last evaluated: 2023-04-16. Review status: criteria provided, single submitter. Criteria: Ambry Variant Classification Scheme 2023. Collection method: clinical testing. Allele origin: germline.
Comment: The p.A124T variant (also known as c.370G>A), located in coding exon 3 of the APOE gene, results from a G to A substitution at nucleotide position 370. The alanine at codon 124 is replaced by threonine, an amino acid with similar properties. This amino acid position is conserved. In addition, this alteration is predicted to be tolerated by in silico analysis. Since supporting evidence is limited at this time, the clinical significance of this alteration remains unclear.